The following is an entry in ClinVar:

NM_012144.4(DNAI1):c.48+1G>T

Gene: DNAI1 (dynein axonemal intermediate chain 1; plus strand). Cytogenetic location: 9p13.3.
Variant type: single nucleotide variant.
Coding change: c.48+1G>T on transcript NM_012144.4 (MANE Select); the canonical splice donor site of the intron after coding-DNA position 48, G replaced by T.
Molecular consequence: splice donor variant.
Genome position (GRCh38, 1-based): chr9:34,459,054, G>T. VCF-style: chr9-34459054-G-T. GRCh37 (hg19) VCF-style: chr9-34459052-G-T.
Other names: c.48+1G>T (NM_001281428.2).
Identifiers: ClinVar variation 2125831 (VCV002125831.4), dbSNP rs2132034522, ClinGen allele CA373247934.

ClinVar aggregate classification (germline): Likely pathogenic (1 of 4 stars; one submission).

Conditions:
Primary ciliary dyskinesia. Also called: Ciliary dyskinesia. Identifiers: Orphanet 244, MedGen C0008780, MONDO:0016575, HP:0012265.

Submission:

Labcorp Genetics (formerly Invitae), Labcorp
Classification: Likely pathogenic for Primary ciliary dyskinesia. Last evaluated: 2022-04-13. Review status: criteria provided, single submitter. Criteria: Invitae Variant Classification Sherloc (09022015). Collection method: clinical testing. Allele origin: germline.
Comment: In summary, the currently available evidence indicates that the variant is pathogenic, but additional data are needed to prove that conclusively. Therefore, this variant has been classified as Likely Pathogenic. Algorithms developed to predict the effect of sequence changes on RNA splicing suggest that this variant may disrupt the consensus splice site. This variant has not been reported in the literature in individuals affected with DNAI1-related conditions. This variant is not present in population databases (gnomAD no frequency). This sequence change affects a donor splice site in intron 1 of the DNAI1 gene. It is expected to disrupt RNA splicing. Variants that disrupt the donor or acceptor splice site typically lead to a loss of protein function (PMID: 16199547), and loss-of-function variants in DNAI1 are known to be pathogenic (PMID: 16858015, 29363216).

Literature cited by the submitters: PubMed 16199547; PubMed 16858015; PubMed 29363216.